The following is an entry in ClinVar:

NM_000093.5(COL5A1):c.3211C>T (p.Leu1071Phe)

Gene: COL5A1 (collagen type V alpha 1 chain; plus strand). Cytogenetic location: 9q34.3.
Variant type: single nucleotide variant.
Coding change: c.3211C>T on transcript NM_000093.5 (MANE Select); coding-DNA position 3211, C replaced by T.
Protein change: p.Leu1071Phe; replaces leucine 1071 with phenylalanine.
Molecular consequence: missense variant.
Genome position (GRCh38, 1-based): chr9:134,805,167, C>T. VCF-style: chr9-134805167-C-T. GRCh37 (hg19) VCF-style: chr9-137697013-C-T.
Other names: c.3211C>T, p.Leu1071Phe (NM_001278074.1); c.3211C>T (NM_000093.3); short protein forms L1071F.
Identifiers: ClinVar variation 1900115 (VCV001900115.6), dbSNP rs373039645, ClinGen allele CA5319806.

ClinVar aggregate classification (germline): Conflicting classifications of pathogenicity. Review status: criteria provided, conflicting classifications (1 of 4 stars). 2 submissions from 2 submitters: Uncertain significance (1); Likely benign (1). Last evaluated 2025-12-09.

Conditions:
Familial thoracic aortic aneurysm and aortic dissection (TAAD). Also called: Thoracic aortic aneurysms and dissections. Identifiers: Orphanet 91387, MedGen C4707243, MONDO:0019625.
Ehlers-Danlos syndrome, classic type, 1 (EDSCL1). Also called: Ehlers-Danlos syndrome, type 1; Ehlers-Danlos Syndrome, Classic Type, COL5A1-Related; EDS I; EHLERS-DANLOS SYNDROME, GRAVIS TYPE; EHLERS-DANLOS SYNDROME, SEVERE CLASSIC TYPE. Identifiers: MedGen C0268335, MONDO:0019567, OMIM 130000.

Allele frequency attached by ClinVar (database versions not stated): ESP Exome Variant Server 0.00008; ExAC 0.00001; gnomAD exomes 0.00001.
gnomAD v4.1: 11 of 1,614,012 alleles (0.00068%); highest among the groups gnomAD compares: Non-Finnish European, 0.00085%; no homozygotes.

Submissions (2):

Labcorp Genetics (formerly Invitae), Labcorp
Classification: Likely benign for Ehlers-Danlos syndrome, classic type, 1. Last evaluated: 2025-12-09. Review status: criteria provided, single submitter. Criteria: Invitae Variant Classification Sherloc (09022015). Collection method: clinical testing. Allele origin: germline.

Ambry Genetics
Classification: Uncertain significance for Familial thoracic aortic aneurysm and aortic dissection. Last evaluated: 2023-10-21. Review status: criteria provided, single submitter. Criteria: Ambry Variant Classification Scheme 2023. Collection method: clinical testing. Allele origin: germline.
Comment: The p.L1071F variant (also known as c.3211C>T), located in coding exon 41 of the COL5A1 gene, results from a C to T substitution at nucleotide position 3211. The leucine at codon 1071 is replaced by phenylalanine, an amino acid with highly similar properties. This amino acid position is not well conserved in available vertebrate species. In addition, this alteration is predicted to be tolerated by in silico analysis. Since supporting evidence is limited at this time, the clinical significance of this alteration remains unclear.